The following is an entry in ClinVar:

NM_001364905.1(LRBA):c.3236C>A (p.Thr1079Asn)

Gene: LRBA (LPS responsive beige-like anchor protein; minus strand). Cytogenetic location: 4q31.3.
Variant type: single nucleotide variant.
Coding change: c.3236C>A on transcript NM_001364905.1 (MANE Select); coding-DNA position 3236, C replaced by A.
Protein change: p.Thr1079Asn; replaces threonine 1079 with asparagine.
Molecular consequence: missense variant.
Genome position (GRCh38, 1-based): chr4:150,852,474, G>T on the plus strand (C>A on the coding strand, the complement: LRBA is on the minus strand). VCF-style: chr4-150852474-G-T. GRCh37 (hg19) VCF-style: chr4-151773626-G-T.
Other names: c.3236C>A, p.Thr1079Asn (NM_001199282.3, NM_001367550.1, NM_006726.5); short protein forms T1079N.
Identifiers: ClinVar variation 1370862 (VCV001370862.6), dbSNP rs2126922273, ClinGen allele CA358459233.

ClinVar aggregate classification (germline): Uncertain significance (1 of 4 stars; one submission).

Conditions:
Combined immunodeficiency due to LRBA deficiency. Also called: Common variable immunodeficiency 8, with autoimmunity. Identifiers: Orphanet 445018, MedGen C3553512, MONDO:0013863, OMIM 614700.

Submission:

Labcorp Genetics (formerly Invitae), Labcorp
Classification: Uncertain significance for Combined immunodeficiency due to LRBA deficiency. Last evaluated: 2022-01-13. Review status: criteria provided, single submitter. Criteria: Invitae Variant Classification Sherloc (09022015). Collection method: clinical testing. Allele origin: germline.
Comment: This sequence change replaces threonine, which is neutral and polar, with asparagine, which is neutral and polar, at codon 1079 of the LRBA protein (p.Thr1079Asn). This variant is not present in population databases (gnomAD no frequency). This variant has not been reported in the literature in individuals affected with LRBA-related conditions. Algorithms developed to predict the effect of missense changes on protein structure and function (SIFT, PolyPhen-2, Align-GVGD) all suggest that this variant is likely to be tolerated. In summary, the available evidence is currently insufficient to determine the role of this variant in disease. Therefore, it has been classified as a Variant of Uncertain Significance.